The following is an entry in ClinVar:

NM_001903.5(CTNNA1):c.1768del (p.Gln590fs)

Gene: CTNNA1 (catenin alpha 1; plus strand). Cytogenetic location: 5q31.2.
Variant type: Deletion.
Coding change: c.1768del on transcript NM_001903.5 (MANE Select); coding-DNA position 1768, one base deleted (C; older notation c.1768delC).
Protein change: p.Gln590fs; shifts the reading frame from glutamine 590.
Molecular consequence: frameshift variant.
Genome position (GRCh38, 1-based): chr5:138,925,276, C deleted. VCF-style (leftmost placement, unchanged base first): chr5-138925275-GC-G. GRCh37 (hg19) VCF-style: chr5-138260964-GC-G.
Other names: c.1675del, p.Gln559fs (NM_001323986.2); c.658del, p.Gln220fs (NM_001323987.1, NM_001323988.1, NM_001323989.1 and 17 more transcripts); c.1768del, p.Gln590fs (NM_001290307.3, NM_001323982.2, NM_001323983.1 and 2 more transcripts); c.1459del, p.Gln487fs (NM_001290309.3); c.1399del, p.Gln467fs (NM_001290310.3); c.319del, p.Gln107fs (NM_001324006.1, NM_001324007.1, NM_001324008.1 and 2 more transcripts); c.565del, p.Gln189fs (NM_001324011.1); c.415del, p.Gln139fs (NM_001324012.1, NM_001324013.1); short protein forms Q107fs, Q139fs, Q189fs, Q220fs, Q467fs, Q487fs, Q559fs, Q590fs.
Identifiers: ClinVar variation 4876029 (VCV004876029.1).

ClinVar aggregate classification (germline): Pathogenic (1 of 4 stars; one submission).

Conditions:
Hereditary diffuse gastric adenocarcinoma (HDGC). Also called: DIFFUSE GASTRIC AND LOBULAR BREAST CANCER SYNDROME. Identifiers: Orphanet 26106, MedGen C1708349, MONDO:0007648, OMIM 137215.

Submission:

Myriad Genetics, Inc.
Classification: Pathogenic for Hereditary diffuse gastric adenocarcinoma. Last evaluated: 2026-05-01. Review status: criteria provided, single submitter. Criteria: Myriad Autosomal Dominant, Autosomal Recessive and X-Linked Classification Criteria (2023). Collection method: clinical testing. Allele origin: unknown.
Comment: This variant is considered pathogenic. This variant creates a frameshift predicted to result in premature protein truncation.